The following is an entry in ClinVar:

ClinVar aggregate classification (germline): Uncertain significance. Review status: criteria provided, multiple submitters, no conflicts (2 of 4 stars). 3 submissions from 3 submitters: Uncertain significance (3). Last evaluated 2025-03-20.

Conditions:
Familial thoracic aortic aneurysm and aortic dissection (TAAD). Also called: Thoracic aortic aneurysms and dissections. Identifiers: Orphanet 91387, MedGen C4707243, MONDO:0019625.
Ehlers-Danlos syndrome, classic type, 1 (EDSCL1). Also called: EHLERS-DANLOS SYNDROME, GRAVIS TYPE; EHLERS-DANLOS SYNDROME, SEVERE CLASSIC TYPE; Ehlers-Danlos syndrome, type 1; EDS I; Ehlers-Danlos Syndrome, Classic Type, COL5A1-Related. Identifiers: MedGen C0268335, MONDO:0019567, OMIM 130000.

Allele frequency attached by ClinVar (database versions not stated): ESP Exome Variant Server 0.00008; gnomAD 0.00001; ExAC 0.00002.
gnomAD v4.1: 4 of 1,614,092 alleles (0.00025%); highest among the groups gnomAD compares: Non-Finnish European, 0.00025%; no homozygotes.

Submissions (3):

Women's Health and Genetics/Laboratory Corporation of America, LabCorp
Classification: Uncertain significance. Last evaluated: 2025-03-20. Review status: criteria provided, single submitter. Criteria: LabCorp Variant Classification Summary - May 2015. Collection method: clinical testing. Allele origin: germline.
Comment: Variant summary: COL5A1 c.1387C>G (p.Pro463Ala) results in a non-conservative amino acid change in the encoded protein sequence. Three of three in-silico tools predict a damaging effect of the variant on protein function. The variant allele was found at a frequency of 4e-06 in 251492 control chromosomes. The available data on variant occurrences in the general population are insufficient to allow any conclusion about variant significance. To our knowledge, no occurrence of c.1387C>G in individuals affected with Ehlers-Danlos Syndrome and no experimental evidence demonstrating its impact on protein function have been reported. ClinVar contains an entry for this variant (Variation ID: 2078498). Based on the evidence outlined above, the variant was classified as uncertain significance.

Ambry Genetics
Classification: Uncertain significance for Familial thoracic aortic aneurysm and aortic dissection. Last evaluated: 2025-01-08. Review status: criteria provided, single submitter. Criteria: Ambry Variant Classification Scheme 2023. Collection method: clinical testing. Allele origin: germline.
Comment: The p.P463A variant (also known as c.1387C>G), located in coding exon 9 of the COL5A1 gene, results from a C to G substitution at nucleotide position 1387. The proline at codon 463 is replaced by alanine, an amino acid with highly similar properties. This amino acid position is highly conserved in available vertebrate species. In addition, the in silico prediction for this alteration is inconclusive. Based on the available evidence, the clinical significance of this variant remains unclear.

Labcorp Genetics (formerly Invitae), Labcorp
Classification: Uncertain significance for Ehlers-Danlos syndrome, classic type, 1. Last evaluated: 2024-10-30. Review status: criteria provided, single submitter. Criteria: Invitae Variant Classification Sherloc (09022015). Collection method: clinical testing. Allele origin: germline.
Comment: This sequence change replaces proline, which is neutral and non-polar, with alanine, which is neutral and non-polar, at codon 463 of the COL5A1 protein (p.Pro463Ala). This variant is present in population databases (rs368168386, gnomAD 0.002%). This variant has not been reported in the literature in individuals affected with COL5A1-related conditions. ClinVar contains an entry for this variant (Variation ID: 2078498). An algorithm developed to predict the effect of missense changes on protein structure and function (PolyPhen-2) suggests that this variant is likely to be disruptive. In summary, the available evidence is currently insufficient to determine the role of this variant in disease. Therefore, it has been classified as a Variant of Uncertain Significance.

NM_000093.5(COL5A1):c.1387C>G (p.Pro463Ala)

Gene: COL5A1 (collagen type V alpha 1 chain; plus strand). Cytogenetic location: 9q34.3.
Variant type: single nucleotide variant.
Coding change: c.1387C>G on transcript NM_000093.5 (MANE Select); coding-DNA position 1387, C replaced by G.
Protein change: p.Pro463Ala; replaces proline 463 with alanine.
Molecular consequence: missense variant.
Genome position (GRCh38, 1-based): chr9:134,732,125, C>G. VCF-style: chr9-134732125-C-G. GRCh37 (hg19) VCF-style: chr9-137623971-C-G.
Other names: c.1387C>G, p.Pro463Ala (NM_001278074.1); c.1387C>G (NM_000093.3); short protein forms P463A.
Identifiers: ClinVar variation 2078498 (VCV002078498.6), dbSNP rs368168386, ClinGen allele CA5318747.